The following is an entry in ClinVar:

NM_000135.4(FANCA):c.2528A>G (p.Tyr843Cys)

Gene: FANCA (FA complementation group A; minus strand). Cytogenetic location: 16q24.3.
Variant type: single nucleotide variant.
Coding change: c.2528A>G on transcript NM_000135.4 (MANE Select); coding-DNA position 2528, A replaced by G.
Protein change: p.Tyr843Cys; replaces tyrosine 843 with cysteine.
Molecular consequence: missense variant.
Genome position (GRCh38, 1-based): chr16:89,767,214, T>C on the plus strand (A>G on the coding strand, the complement: FANCA is on the minus strand). VCF-style: chr16-89767214-T-C. GRCh37 (hg19) VCF-style: chr16-89833622-T-C.
Other names: c.2528A>G (LRG_495t1); c.2528A>G, p.Tyr843Cys (NM_001286167.3); short protein forms Y843C.
Identifiers: ClinVar variation 573488 (VCV000573488.8), dbSNP rs1567616244, ClinGen allele CA397440799.

ClinVar aggregate classification (germline): Uncertain significance (1 of 4 stars; one submission).

Conditions:
Fanconi anemia (FA). Also called: Fanconi's anemia. Identifiers: Orphanet 84, MedGen C0015625, MeSH D005199, MONDO:0019391.

Submission:

Labcorp Genetics (formerly Invitae), Labcorp
Classification: Uncertain significance for Fanconi anemia. Last evaluated: 2018-02-22. Review status: criteria provided, single submitter. Criteria: Invitae Variant Classification Sherloc (09022015). Collection method: clinical testing. Allele origin: germline.
Comment: In summary, the available evidence is currently insufficient to determine the role of this variant in disease. Therefore, it has been classified as a Variant of Uncertain Significance. This sequence change replaces tyrosine with cysteine at codon 843 of the FANCA protein (p.Tyr843Cys). The tyrosine residue is highly conserved and there is a large physicochemical difference between tyrosine and cysteine. This variant is not present in population databases (ExAC no frequency). This variant has not been reported in the literature in individuals with FANCA-related disease. Algorithms developed to predict the effect of missense changes on protein structure and function do not agree on the potential impact of this missense change (SIFT: "Deleterious"; PolyPhen-2: "Possibly Damaging"; Align-GVGD: "Class C0").